The following is an entry in ClinVar:

ClinVar aggregate classification (germline): Uncertain significance (1 of 4 stars; one submission).

Allele frequency attached by ClinVar (database versions not stated): TOPMed below 0.00001.

Submission:

Women's Health and Genetics/Laboratory Corporation of America, LabCorp
Classification: Uncertain significance. Last evaluated: 2023-11-08. Review status: criteria provided, single submitter. Criteria: LabCorp Variant Classification Summary - May 2015. Collection method: clinical testing. Allele origin: germline.
Comment: Variant summary: MYBPC1 c.1526+5G>A alters a conserved nucleotide located close to a canonical splice site and therefore could affect mRNA splicing, leading to a significantly altered protein sequence. Several computational tools predict a significant impact on normal splicing: Four predict the variant weakens the canonical 5' donor site. However, these predictions have yet to be confirmed by functional studies. The variant was absent in 251302 control chromosomes (gnomAD). The available data on variant occurrences in the general population are insufficient to allow any conclusion about variant significance. To our knowledge, no occurrence of c.1526+5G>A in individuals affected with MYBPC1-Related Disorders and no experimental evidence demonstrating its impact on protein function have been reported. No submitters have cited clinical-significance assessments for this variant to ClinVar after 2014. Based on the evidence outlined above, the variant was classified as uncertain significance.

NM_002465.4(MYBPC1):c.1526+5G>A

Gene: MYBPC1 (myosin binding protein C1; plus strand). Cytogenetic location: 12q23.2.
Variant type: single nucleotide variant.
Coding change: c.1526+5G>A on transcript NM_002465.4 (MANE Select); 5 bases into the intron after coding-DNA position 1526, G replaced by A.
Molecular consequence: intron variant.
Genome position (GRCh38, 1-based): chr12:101,651,398, G>A. VCF-style: chr12-101651398-G-A. GRCh37 (hg19) VCF-style: chr12-102045176-G-A.
Other names: c.1526+5G>A (NM_206819.4, NM_001404675.1); c.1451+5G>A (NM_001254718.3, NM_206820.4, NM_001254719.3 and 1 more transcripts); c.1394+5G>A (NM_001254721.3, NM_001404678.1, NM_001404676.1); c.1415+5G>A (NM_001254720.3); c.1412+5G>A (NM_001254723.3); c.1373+5G>A (NM_001254722.3, NM_001404680.1); c.1316+5G>A (NM_001404679.1, NM_001404681.1, NM_001404677.1).
Identifiers: ClinVar variation 2682396 (VCV002682396.1), dbSNP rs1894408194, ClinGen allele CA2058906181.